The following is an entry in ClinVar:

ClinVar aggregate classification (germline): Likely benign. Review status: criteria provided, multiple submitters, no conflicts (2 of 4 stars). 3 submissions from 3 submitters: Likely benign (3). Last evaluated 2024-11-26.

Conditions:
Pigmentary pallidal degeneration (NBIA1). Also called: Pantothenate Kinase-Associated Neurodegeneration; Neuroaxonal dystrophy, late infantile; Hallervorden-Spatz disease; PKAN NEUROAXONAL DYSTROPHY, JUVENILE-ONSET; Neurodegeneration with brain iron accumulation 1; HARP SYNDROME. Identifiers: Orphanet 157850, MedGen C0018523, MONDO:0009319, OMIM 234200.

Allele frequency attached by ClinVar (database versions not stated): gnomAD 0.00003; TOPMed 0.00006.
gnomAD v4.1: 170 of 1,421,858 alleles (0.012%); highest among the groups gnomAD compares: Non-Finnish European, 0.015%; no homozygotes.

Submissions (3):

Blueprint Genetics
Classification: Likely benign. Last evaluated: 2024-11-26. Review status: criteria provided, single submitter. Criteria: ACMG Guidelines, 2015. Collection method: clinical testing. Allele origin: germline.

Labcorp Genetics (formerly Invitae), Labcorp
Classification: Likely benign for Pigmentary pallidal degeneration. Last evaluated: 2024-02-11. Review status: criteria provided, single submitter. Criteria: Invitae Variant Classification Sherloc (09022015). Collection method: clinical testing. Allele origin: germline.

CeGaT Center for Human Genetics Tuebingen
Classification: Likely benign. Last evaluated: 2022-07-01. Review status: criteria provided, single submitter. Criteria: CeGaT Center For Human Genetics Tuebingen Variant Classification Criteria Version 2. Collection method: clinical testing. Allele origin: germline. Affected: yes. Observed: 1 variant allele.
Comment: PANK2: BP4, BP7

NM_001386393.1(PANK2):c.108G>C (p.Ser36=)

Genes: PANK2 (pantothenate kinase 2; plus strand), LOC130065345 (ATAC-STARR-seq lymphoblastoid silent region 12635; plus strand). Cytogenetic location: 20p13.
Variant type: single nucleotide variant.
Coding change: c.108G>C on transcript NM_001386393.1 (MANE Select); coding-DNA position 108, G replaced by C.
Protein change: p.Ser36=; no amino-acid change (serine 36 retained).
Molecular consequence: synonymous variant. On other transcripts: 5 prime UTR variant (1), non-coding transcript variant (1), intron variant (1).
Genome position (GRCh38, 1-based): chr20:3,889,538, G>C. VCF-style: chr20-3889538-G-C. GRCh37 (hg19) VCF-style: chr20-3870185-G-C.
Other names: c.-604G>C (NM_001324191.2); c.438G>C, p.Ser146= (NM_001324192.1, NM_153638.4); c.-246+634G>C (NM_024960.6).
Identifiers: ClinVar variation 731014 (VCV000731014.40), dbSNP rs1037083433, ClinGen allele CA509565802.
Genomic context (GRCh38, chr20:3,889,538, plus strand): 5'-GGGCCGGCTCGGCGCGCCCATGGAGCGCCACGGCAGGGCTTCCGCCACCTCCGTCTCGTC[G>C]GCTGGGGAGCAGGCGGCCGGGGACCCCGAAGGGCGGCGGCAGGAGCCACTGCGGCGCCGG-3'
Protein context (NP_001373322.1, residues 26-46): HGRASATSVS[Ser36=]AGEQAAGDPE